The following is an entry in ClinVar:

NM_006015.6(ARID1A):c.1188C>T (p.Gly396=)

Gene: ARID1A (AT-rich interaction domain 1A; plus strand). Cytogenetic location: 1p36.11.
Variant type: single nucleotide variant.
Coding change: c.1188C>T on transcript NM_006015.6 (MANE Select); coding-DNA position 1188, C replaced by T.
Protein change: p.Gly396=; no amino-acid change (glycine 396 retained).
Molecular consequence: synonymous variant.
Genome position (GRCh38, 1-based): chr1:26,729,701, C>T. VCF-style: chr1-26729701-C-T. GRCh37 (hg19) VCF-style: chr1-27056192-C-T.
Other names: c.1188C>T, p.Gly396= (NM_139135.4).
Identifiers: ClinVar variation 713769 (VCV000713769.39), dbSNP rs61749356, ClinGen allele CA706727.
Genomic context (GRCh38, chr1:26,729,701, plus strand): 5'-TATTTTGTAGCCATCCAGTCCAATGGATCAGATGGGCAAGATGAGACCTCAGCCATATGG[C>T]GGGACTAACCCATACTCGCAGCAACAGGGACCTCCGTCAGGACCGCAGCAAGGACATGGG-3'
Protein context (NP_006006.3, residues 386-406): QMGKMRPQPY[Gly396=]GTNPYSQQQG

ClinVar aggregate classification (germline): Benign/Likely benign. Review status: criteria provided, multiple submitters, no conflicts (2 of 4 stars). 5 submissions from 5 submitters: Benign (3); Likely benign (2). Last evaluated 2026-05-01.

Conditions:
Intellectual disability, autosomal dominant 14 (CSS2). Also called: COFFIN-SIRIS SYNDROME 2. Identifiers: Orphanet 1465, MedGen C3553247, MONDO:0013819, OMIM 614607.

Allele frequency attached by ClinVar (database versions not stated): ESP Exome Variant Server 0.00315; gnomAD exomes 0.00330 and 0.00229; 1000 Genomes Project 0.00080; 1000 Genomes Project 30x 0.00109; TOPMed 0.00210; ExAC 0.00231.
gnomAD v4.1: 5,107 of 1,614,240 alleles (0.32%); highest among the groups gnomAD compares: Non-Finnish European, 0.39%; 13 homozygotes.

Submissions (6):

CeGaT Center for Human Genetics Tuebingen
Classification: Likely benign. Last evaluated: 2026-05-01. Review status: criteria provided, single submitter. Criteria: CeGaT Center For Human Genetics Tuebingen Variant Classification Criteria Version 2. Collection method: clinical testing. Allele origin: germline. Affected: yes. Observed: 11 variant alleles.
Comment: ARID1A: BP4, BP7, BS2

Labcorp Genetics (formerly Invitae), Labcorp
Classification: Benign. Last evaluated: 2026-02-04. Review status: criteria provided, single submitter. Criteria: Invitae Variant Classification Sherloc (09022015). Collection method: clinical testing. Allele origin: germline.

Blueprint Genetics
Classification: Likely benign. Last evaluated: 2024-11-26. Review status: criteria provided, single submitter. Criteria: ACMG Guidelines, 2015. Collection method: clinical testing. Allele origin: germline.

Genome-Nilou Lab
Classification: Benign for Intellectual disability, autosomal dominant 14. Last evaluated: 2021-12-05. Review status: criteria provided, single submitter. Criteria: ACMG Guidelines, 2015. Collection method: clinical testing. Allele origin: germline. Affected: no.

GeneDx
Classification: Benign. Last evaluated: 2019-10-07. Review status: criteria provided, single submitter. Criteria: GeneDx Variant Classification Process June 2021. Collection method: clinical testing. Allele origin: germline. Affected: yes.

Dr. Peter K. Rogan Lab, Western University
No classification provided (evidence only). Condition: Malignant tumor of esophagus. Review status: no classification provided. Collection method: in vitro. Allele origin: not applicable. Functional consequence: retained intron. Not counted in ClinVar's aggregate classification.